The following is an entry in ClinVar:

NM_031372.4(HNRNPDL):c.1157A>G (p.Asn386Ser)

Gene: HNRNPDL (heterogeneous nuclear ribonucleoprotein D like; minus strand). Cytogenetic location: 4q21.22.
Variant type: single nucleotide variant.
Coding change: c.1157A>G on transcript NM_031372.4 (MANE Select); coding-DNA position 1157, A replaced by G.
Protein change: p.Asn386Ser; replaces asparagine 386 with serine.
Molecular consequence: missense variant. On other transcripts: non-coding transcript variant (1), intron variant (1).
Genome position (GRCh38, 1-based): chr4:82,426,498, T>C on the plus strand (A>G on the coding strand, the complement: HNRNPDL is on the minus strand). VCF-style: chr4-82426498-T-C. GRCh37 (hg19) VCF-style: chr4-83347651-T-C.
Other names: c.1022-369A>G (NM_001207000.1); short protein forms N386S.
Identifiers: ClinVar variation 3366019 (VCV003366019.3).

ClinVar aggregate classification (germline): Uncertain significance. Review status: criteria provided, multiple submitters, no conflicts (2 of 4 stars). 2 submissions from 2 submitters: Uncertain significance (2). Last evaluated 2024-09-19.

Conditions:
Autosomal dominant limb-girdle muscular dystrophy type 1G (LGMDD3). Also called: Limb-girdle muscular dystrophy, type 1G; MUSCULAR DYSTROPHY, LIMB-GIRDLE, AUTOSOMAL DOMINANT 3. Identifiers: Orphanet 55596, MedGen C1836765, MONDO:0012193, OMIM 609115.

Submissions (2):

Labcorp Genetics (formerly Invitae), Labcorp
Classification: Uncertain significance for Autosomal dominant limb-girdle muscular dystrophy type 1G. Last evaluated: 2024-09-19. Review status: criteria provided, single submitter. Criteria: Invitae Variant Classification Sherloc (09022015). Collection method: clinical testing. Allele origin: germline.
Comment: This sequence change replaces asparagine, which is neutral and polar, with serine, which is neutral and polar, at codon 386 of the HNRNPDL protein (p.Asn386Ser). This variant is not present in population databases (gnomAD no frequency). This variant has not been reported in the literature in individuals affected with HNRNPDL-related conditions. An algorithm developed to predict the effect of missense changes on protein structure and function outputs the following: PolyPhen-2: "Benign". The serine amino acid residue is found in multiple mammalian species, which suggests that this missense change does not adversely affect protein function. In summary, the available evidence is currently insufficient to determine the role of this variant in disease. Therefore, it has been classified as a Variant of Uncertain Significance.

GeneDx
Classification: Uncertain significance. Last evaluated: 2023-10-12. Review status: criteria provided, single submitter. Criteria: GeneDx Variant Classification Process June 2021. Collection method: clinical testing. Allele origin: germline. Affected: yes.
Comment: Has not been previously published as pathogenic or benign to our knowledge; Not observed at significant frequency in large population cohorts (gnomAD); In silico analysis supports that this missense variant does not alter protein structure/function